The following is an entry in ClinVar:

NM_001003722.2(GLE1):c.1750C>T (p.Arg584Trp)

Genes: GLE1 (GLE1 RNA export mediator; plus strand), LOC101929270 (uncharacterized LOC101929270; minus strand). Cytogenetic location: 9q34.11.
Variant type: single nucleotide variant.
Coding change: c.1750C>T on transcript NM_001003722.2 (MANE Select); coding-DNA position 1750, C replaced by T.
Protein change: p.Arg584Trp; replaces arginine 584 with tryptophan.
Molecular consequence: missense variant.
Genome position (GRCh38, 1-based): chr9:128,536,458, C>T. VCF-style: chr9-128536458-C-T. GRCh37 (hg19) VCF-style: chr9-131298737-C-T.
Other names: c.1750C>T, p.Arg584Trp (NM_001499.2); short protein forms R584W.
Identifiers: ClinVar variation 619144 (VCV000619144.8), dbSNP rs765269946, ClinGen allele CA5263943.

ClinVar aggregate classification (germline): Pathogenic/Likely pathogenic. Review status: criteria provided, multiple submitters, no conflicts (2 of 4 stars). 8 submissions from 8 submitters: Pathogenic (1); Likely pathogenic (5). 2 of the submissions do not count toward it. Last evaluated 2025-10-27.

Conditions:
Lethal congenital contractural syndrome Finnish type.
Lethal arthrogryposis-anterior horn cell disease syndrome (CAAHD). Also called: CONGENITAL ARTHROGRYPOSIS WITH ANTERIOR HORN CELL DISEASE. Identifiers: Orphanet 53696, MedGen C5193016, MONDO:0012750, OMIM 611890.
GLE1-related disorder. Also called: GLE1-related disorders; GLE1-related condition.

Allele frequency attached by ClinVar (database versions not stated): gnomAD 0.00002 and 0.00003; gnomAD exomes 0.00002 and 0.00004; TOPMed 0.00002; ExAC 0.00005.

Submissions (8):

Natera, Inc.
Classification: Likely pathogenic for Lethal congenital contractural syndrome Finnish type. Last evaluated: 2025-10-27. Review status: criteria provided, single submitter. Criteria: Natera Variant Classification Schema (03/2026). Collection method: clinical testing. Allele origin: germline.
Comment: The c.1750C>T variant in GLE1 is a missense variant predicted to cause substitution of arginine to tryptophan at amino acid 584. This variant is rare in the general population with a frequency below the threshold expected for the associated phenotype(s). This variant has been observed in one or more individuals affected with the associated recessive disease, as either homozygous or compound heterozygous with a second variant (PMID: 28884921, 37273706). Computational prediction algorithms indicate this variant is likely to affect gene or protein function. Given the available evidence, this variant is classified as Likely Pathogenic.

Blueprint Genetics
Classification: Pathogenic for GLE1-related disorders. Last evaluated: 2024-09-15. Review status: criteria provided, single submitter. Criteria: ACMG Guidelines, 2015. Collection method: clinical testing. Allele origin: germline. Affected: yes. Observed: 3 variant alleles.

GeneDx
Classification: Likely pathogenic. Last evaluated: 2024-06-24. Review status: criteria provided, single submitter. Criteria: GeneDx Variant Classification Process June 2021. Collection method: clinical testing. Allele origin: germline. Affected: yes.
Comment: Reported to segregate as a single heterozygous variant in a family with autosomal dominant dorsalization of the skin of the proximal palm and the instep of the sole of the foot (PMID: 22484600); however, more evidence is needed to explore the possible link between heterozygous variants in the GLE1 gene and human disease; In silico analysis supports that this missense variant has a deleterious effect on protein structure/function; Not observed at significant frequency in large population cohorts (gnomAD); This variant is associated with the following publications: (PMID: 31589614, 24970098, 23592534, 32537934, 33726816, 33820833, 31056085, 34490615, 22484600, 28884921, 37273706)

3billion
Classification: Likely pathogenic for Lethal arthrogryposis-anterior horn cell disease syndrome. Last evaluated: 2024-06-07. Review status: criteria provided, single submitter. Criteria: ACMG Guidelines, 2015. Collection method: clinical testing. Allele origin: germline. Affected: yes.
Comment: The variant is observed at an extremely low frequency in the gnomAD v4.0.0 dataset (total allele frequency: 0.002%). Predicted Consequence/Location: The majority of the known disease-causing variants of this gene are variants expected to result in premature termination of the protein. The same nucleotide change resulting in the same amino acid change has been previously reported as pathogenic/likely pathogenic with strong evidence (ClinVar ID: VCV000619144). The variant has been reported to be in trans with a pathogenic variant as either compound heterozygous or homozygous in at least one similarly affected unrelated individual (PMID: 28884921, 32537934). Therefore, this variant is classified as Likely pathogenic according to the recommendation of ACMG/AMP guideline.

Women's Health and Genetics/Laboratory Corporation of America, LabCorp
Classification: Likely pathogenic for Lethal arthrogryposis-anterior horn cell disease syndrome. Last evaluated: 2023-05-08. Review status: criteria provided, single submitter. Criteria: LabCorp Variant Classification Summary - May 2015. Collection method: clinical testing. Allele origin: germline.
Comment: Variant summary: GLE1 c.1750C>T (p.Arg584Trp) results in a non-conservative amino acid change in the encoded protein sequence. Four of five in-silico tools predict a damaging effect of the variant on protein function. The variant allele was found at a frequency of 3.6e-05 in 251452 control chromosomes. c.1750C>T has been reported in the literature as a biallelic homozygous or compound heterozygous genotype in individuals with features of Lethal Arthrogryposis with Anterior Horn Cell Disease (LAAHD; OMIM #611890) (example, van der Ven_2021 captured in Said_2017), as a homozygous genotype in an individual with features of Arthrogryposis multiplex congenita (AMC) (example, Laquerriere_2022) and as a compound heterozygous genotype in one case within a cohort undergoing genomic sequencing for rare disorders (example, Stranneheim_2021). It has also been reported as segregating with an autosomal dominant inheritance pattern in a single family with a unique form of dorsal dimelia restrcited to the skin of the proximal area of the palms and the instep areas of the feet (Al-Qattan_2012). However, additional corroboration of the reported dominant inheritance pattern and its association with the prominent GLE1-related phenotypes and/or disease pathomechanism is not unequivocally established. These data indicate that the variant is likely to be associated with recessive disease. To our knowledge, no experimental evidence demonstrating an impact on protein function has been reported. The following publications have been ascertained in the context of this evaluation (PMID: 22484600, 32537934, 33820833, 24970098, 28884921, 33726816, 32954510, 34490615). One clinical diagnostic laboratory has submitted clinical-significance assessments for this variant to ClinVar after 2014 as Likely Pathogenic. The OMIM database classified the variant as pathogenic citing overlapping evidence utilized in the context of this evaluation. Based on the evidence outlined above, the variant was classified as likely pathogenic.

MVZ Praenatalmedizin und Genetik Nuernberg
Classification: Likely pathogenic for Lethal arthrogryposis-anterior horn cell disease syndrome. Last evaluated: 2023-02-02. Review status: criteria provided, single submitter. Criteria: ACMG Guidelines, 2015. Collection method: clinical testing. Allele origin: paternal. Affected: yes.
Comment: There was a slight suspected prefrontal skin edema. Club hand and club foot were seen on both sides. The variant affects a conserved amino acid, and computational predictions point toward pathogenicity. There is no entry regarding clinical testing in the ClinVar database; however, the variant has been described once in the literature (PMID:28884921). In summary, we consider this variant to be likely pathogenic.

OMIM
Classification: Pathogenic for CONGENITAL ARTHROGRYPOSIS WITH ANTERIOR HORN CELL DISEASE. Last evaluated: 2019-02-27. Review status: no assertion criteria provided. Collection method: literature only. Allele origin: germline. Not counted in ClinVar's aggregate classification.

University of Washington Center for Mendelian Genomics, University of Washington
Classification: Likely pathogenic for Congenital Arthrogryposis with Anterior Horn Cell Disease. Review status: no assertion criteria provided. Collection method: research. Allele origin: inherited. Affected: yes. Not counted in ClinVar's aggregate classification.

Literature cited by the submitters: PubMed 28884921 (cited by 6 submitters); PubMed 37273706 (cited by Natera, Inc.); PubMed 32537934 (cited by 3billion and Women's Health and Genetics/Laboratory Corporation of America, LabCorp); PubMed 33726816 (cited by Women's Health and Genetics/Laboratory Corporation of America, LabCorp); PubMed 34490615 (cited by Women's Health and Genetics/Laboratory Corporation of America, LabCorp); PubMed 22484600 (cited by Women's Health and Genetics/Laboratory Corporation of America, LabCorp); PubMed 33820833 (cited by Women's Health and Genetics/Laboratory Corporation of America, LabCorp); PubMed 24970098 (cited by Women's Health and Genetics/Laboratory Corporation of America, LabCorp); PubMed 32954510 (cited by Women's Health and Genetics/Laboratory Corporation of America, LabCorp).